The following is an entry in ClinVar:

ClinVar aggregate classification (germline): Conflicting classifications of pathogenicity. Review status: criteria provided, conflicting classifications (1 of 4 stars). 4 submissions from 4 submitters: Likely pathogenic (3); Uncertain significance (1). Last evaluated 2025-08-05.

Conditions:
Wilson disease (WND). Also called: Wilson's disease. Identifiers: Orphanet 905, MedGen C0019202, MONDO:0010200, OMIM 277900. Disease mechanism: loss of function.

Allele frequency attached by ClinVar (database versions not stated): gnomAD exomes below 0.00001; TOPMed below 0.00001; ExAC 0.00001.

Submissions (4):

First Genomix Gene Laboratory, Genetic Diagnostics Department
Classification: Likely pathogenic for Wilson disease. Last evaluated: 2025-08-05. Review status: criteria provided, single submitter. Criteria: ACMG Guidelines, 2015. Collection method: clinical testing. Allele origin: germline. Inheritance: Autosomal recessive inheritance. Affected: no. Observed: 1 variant allele.

Immunogenetics and Transplant Biology Service, University Hospital "Città della Salute e della Scienza di Torino"
Classification: Likely pathogenic for Wilson disease. Last evaluated: 2025-06-28. Review status: criteria provided, single submitter. Criteria: ACMG Guidelines, 2015. Collection method: clinical testing. Allele origin: germline. Affected: yes.

Labcorp Genetics (formerly Invitae), Labcorp
Classification: Uncertain significance for Wilson disease. Last evaluated: 2023-12-31. Review status: criteria provided, single submitter. Criteria: Invitae Variant Classification Sherloc (09022015). Collection method: clinical testing. Allele origin: germline.
Comment: This sequence change replaces glycine, which is neutral and non-polar, with glutamic acid, which is acidic and polar, at codon 836 of the ATP7B protein (p.Gly836Glu). This variant is present in population databases (rs773809011, gnomAD 0.0009%). This missense change has been observed in individual(s) with Wilson disease (PMID: 22484412, 34400371). ClinVar contains an entry for this variant (Variation ID: 1162214). Advanced modeling of protein sequence and biophysical properties (such as structural, functional, and spatial information, amino acid conservation, physicochemical variation, residue mobility, and thermodynamic stability) performed at Invitae indicates that this missense variant is expected to disrupt ATP7B protein function with a positive predictive value of 80%. In summary, the available evidence is currently insufficient to determine the role of this variant in disease. Therefore, it has been classified as a Variant of Uncertain Significance.

Inborn Errors of Metabolism Laboratory, Hospices Civils de Lyon
Classification: Likely pathogenic for Wilson disease. Last evaluated: 2021-06-01. Review status: criteria provided, single submitter. Criteria: ACMG Guidelines, 2015. Collection method: clinical testing. Allele origin: germline. Affected: yes. Observed: 2 variant alleles.

Literature cited by the submitters: PubMed 22484412 (cited by Labcorp Genetics (formerly Invitae), Labcorp and Inborn Errors of Metabolism Laboratory, Hospices Civils de Lyon); PubMed 34400371 (cited by Labcorp Genetics (formerly Invitae), Labcorp).

NM_000053.4(ATP7B):c.2507G>A (p.Gly836Glu)

Gene: ATP7B (ATPase copper transporting beta; minus strand). Cytogenetic location: 13q14.3.
Variant type: single nucleotide variant.
Coding change: c.2507G>A on transcript NM_000053.4 (MANE Select); coding-DNA position 2507, G replaced by A.
Protein change: p.Gly836Glu; replaces glycine 836 with glutamic acid.
Molecular consequence: missense variant.
Genome position (GRCh38, 1-based): chr13:51,950,340, C>T on the plus strand (G>A on the coding strand, the complement: ATP7B is on the minus strand). VCF-style: chr13-51950340-C-T. GRCh37 (hg19) VCF-style: chr13-52524476-C-T.
Other names: c.2021G>A, p.Gly674Glu (NM_001005918.3); c.2174G>A, p.Gly725Glu (NM_001243182.2); c.2273G>A, p.Gly758Glu (NM_001330578.2); c.2255G>A, p.Gly752Glu (NM_001330579.2); short protein forms G674E, G725E, G752E, G758E, G836E.
Identifiers: ClinVar variation 1162214 (VCV001162214.6), dbSNP rs773809011, ClinGen allele CA6988987.
Genomic context (GRCh38, chr13:51,950,340, plus strand): 5'-AGGGACTCATCAGCCATGGTATTGCCTTCCAGGACTTTCCCATCCACTGGAAACTTTCCC[C>T]CAGGGACCACCTTGACGATATCGCCCCGCTGCACCAGCTCCATGGGGACTTGCTCCTCCC-3'
Protein context (NP_000044.2, residues 826-846): QRGDIVKVVP[Gly836Glu]GKFPVDGKVL